The following is an entry in ClinVar:

NM_004341.5(CAD):c.2156+5G>A

Gene: CAD (carbamoyl-phosphate synthetase 2, aspartate transcarbamylase, and dihydroorotase; plus strand). Cytogenetic location: 2p23.3.
Variant type: single nucleotide variant.
Coding change: c.2156+5G>A on transcript NM_004341.5 (MANE Select); 5 bases into the intron after coding-DNA position 2156, G replaced by A.
Molecular consequence: intron variant.
Genome position (GRCh38, 1-based): chr2:27,226,654, G>A. VCF-style: chr2-27226654-G-A. GRCh37 (hg19) VCF-style: chr2-27449522-G-A.
Other names: c.1967+5G>A (NM_001306079.2).
Identifiers: ClinVar variation 2077848 (VCV002077848.3), dbSNP rs769966773, ClinGen allele CA1572921.
Genomic context (GRCh38, chr2:27,226,654, plus strand): 5'-CCACTGGCTTATGTGGCAGCCAAGCTAGCATTGGGCATCCCTTTGCCTGAGCTCAGGTAC[G>A]AGGATGAGGGAGATATCACAGTGGGGAAGTGGGTCGGGGGCTGAGGAAAATATTGATGGG-3'

ClinVar aggregate classification (germline): Uncertain significance. Review status: criteria provided, multiple submitters, no conflicts (2 of 4 stars). 3 submissions from 3 submitters: Uncertain significance (3). Last evaluated 2024-02-28.

Allele frequency attached by ClinVar (database versions not stated): gnomAD 0.00002; gnomAD exomes 0.00002; TOPMed 0.00002; ExAC 0.00003.
gnomAD v4.1: 27 of 1,613,834 alleles (0.0017%); highest among the groups gnomAD compares: Admixed American, 0.0033%; no homozygotes.

Submissions (3):

GeneDx
Classification: Uncertain significance. Last evaluated: 2024-02-28. Review status: criteria provided, single submitter. Criteria: GeneDx Variant Classification Process June 2021. Collection method: clinical testing. Allele origin: germline. Affected: yes.
Comment: Not observed at significant frequency in large population cohorts (gnomAD); Has not been previously published as pathogenic or benign to our knowledge; In silico analysis is inconclusive as to whether the variant alters gene splicing. In the absence of RNA/functional studies, the actual effect of this sequence change is unknown.

Mayo Clinic Laboratories, Mayo Clinic
Classification: Uncertain significance. Last evaluated: 2023-07-26. Review status: criteria provided, single submitter. Criteria: ACMG Guidelines, 2015. Collection method: clinical testing. Allele origin: germline. Observed: 1 variant allele.
Comment: PP2, PM2_moderate

Labcorp Genetics (formerly Invitae), Labcorp
Classification: Uncertain significance. Last evaluated: 2022-04-23. Review status: criteria provided, single submitter. Criteria: Invitae Variant Classification Sherloc (09022015). Collection method: clinical testing. Allele origin: germline.
Comment: This sequence change falls in intron 14 of the CAD gene. It does not directly change the encoded amino acid sequence of the CAD protein. It affects a nucleotide within the consensus splice site. This variant is present in population databases (rs769966773, gnomAD 0.003%). This variant has not been reported in the literature in individuals affected with CAD-related conditions. Variants that disrupt the consensus splice site are a relatively common cause of aberrant splicing (PMID: 17576681, 9536098). Algorithms developed to predict the effect of sequence changes on RNA splicing suggest that this variant may disrupt the consensus splice site. In summary, the available evidence is currently insufficient to determine the role of this variant in disease. Therefore, it has been classified as a Variant of Uncertain Significance.

Literature cited by the submitters: PubMed 32461667 (cited by Mayo Clinic Laboratories, Mayo Clinic); PubMed 17576681 (cited by Labcorp Genetics (formerly Invitae), Labcorp); PubMed 9536098 (cited by Labcorp Genetics (formerly Invitae), Labcorp).